The following is an entry in ClinVar:

NM_139278.4(LGI3):c.968C>A (p.Pro323Gln)

Gene: LGI3 (leucine rich repeat LGI family member 3; minus strand). Cytogenetic location: 8p21.3.
Variant type: single nucleotide variant.
Coding change: c.968C>A on transcript NM_139278.4 (MANE Select); coding-DNA position 968, C replaced by A.
Protein change: p.Pro323Gln; replaces proline 323 with glutamine.
Molecular consequence: missense variant.
Genome position (GRCh38, 1-based): chr8:22,148,839, G>T on the plus strand (C>A on the coding strand, the complement: LGI3 is on the minus strand). VCF-style: chr8-22148839-G-T. GRCh37 (hg19) VCF-style: chr8-22006352-G-T.
Other names: short protein forms P323Q.
Identifiers: ClinVar variation 4881446 (VCV004881446.2).
Genomic context (GRCh38, chr8:22,148,839, plus strand): 5'-AAGTACCAGTCACCGTCGATGCGGAAGGCTTCTAGGTCGTTAGGCTTGCGCACGCGCTGC[G>T]GGTCAATGTCTTGCAGCCTGGTGAAGCGCGTGGTGTTGGGATCCCAGTGGTAAATGTAAG-3'
Protein context (NP_644807.1, residues 313-333): TRFTRLQDID[Pro323Gln]QRVRKPNDLE

ClinVar aggregate classification (germline): Uncertain significance (1 of 4 stars; one submission).

Submission:

Dasa
Classification: Uncertain significance. Last evaluated: 2025-08-25. Review status: criteria provided, single submitter. Criteria: DASA Assertion Criteria. Collection method: clinical testing. Allele origin: germline.
Comment: NM_139278.4(LGI3):c.968C>A (p.Pro323Gln) is a missense variant that results in the substitution of proline with glutamine. This variant is rare in population databases. Computational prediction algorithms are consistent with a benign effect. The currently available literature and clinical evidence are not sufficient to establish a definitive association between this variant and the reported condition. Therefore, this variant is classified as a variant of uncertain significance.